The following is an entry in ClinVar:

NM_022773.4(LMF1):c.1675C>T (p.Arg559Cys)

Gene: LMF1 (lipase maturation factor 1; minus strand). Cytogenetic location: 16p13.3.
Variant type: single nucleotide variant.
Coding change: c.1675C>T on transcript NM_022773.4 (MANE Select); coding-DNA position 1675, C replaced by T.
Protein change: p.Arg559Cys; replaces arginine 559 with cysteine.
Molecular consequence: missense variant. On other transcripts: non-coding transcript variant (1).
Genome position (GRCh38, 1-based): chr16:854,561, G>A on the plus strand (C>T on the coding strand, the complement: LMF1 is on the minus strand). VCF-style: chr16-854561-G-A. GRCh37 (hg19) VCF-style: chr16-904561-G-A.
Other names: c.1024C>T, p.Arg342Cys (NM_001352017.2, NM_001352021.2); c.1276C>T, p.Arg426Cys (NM_001352018.2); c.1348C>T, p.Arg450Cys (NM_001352019.2); c.1595C>T, p.Pro532Leu (NM_001352020.1); short protein forms R342C, P532L, R426C, R450C, R559C.
Identifiers: ClinVar variation 1777777 (VCV001777777.3), dbSNP rs199544373, ClinGen allele CA7796844.
Genomic context (GRCh38, chr16:854,561, plus strand): 5'-CTGGGTCTTCGCCTTTATTTCTGGTGCACGTCTAGAGGGGCCCGGGCAGAGGCCACCCAC[G>A]GTCCCTGAAGTAGGGCCTCAGCTCCTCCAGGCTGAGCGGAGGGAAGTAGGCTCCGATCCT-3'
Protein context (NP_073610.2, residues 549-567): LEELRPYFRD[Arg559Cys]GWPLPGPL

ClinVar aggregate classification (germline): Uncertain significance (1 of 4 stars; one submission).

Conditions:
Cardiovascular phenotype. Identifiers: MedGen CN230736.

Allele frequency attached by ClinVar (database versions not stated): gnomAD 0.00001; gnomAD exomes 0.00001; TOPMed 0.00002; ExAC 0.00004; ESP Exome Variant Server 0.00008; 1000 Genomes Project 0.00020; 1000 Genomes Project 30x 0.00031.
gnomAD v4.1: 19 of 1,608,272 alleles (0.0012%); highest among the groups gnomAD compares: African/African-American, 0.0027%; no homozygotes.

Submission:

Ambry Genetics
Classification: Uncertain significance for Cardiovascular phenotype. Last evaluated: 2025-07-22. Review status: criteria provided, single submitter. Criteria: Ambry Variant Classification Scheme 2023. Collection method: clinical testing. Allele origin: germline.
Comment: The p.R559C variant (also known as c.1675C>T), located in coding exon 11 of the LMF1 gene, results from a C to T substitution at nucleotide position 1675. The arginine at codon 559 is replaced by cysteine, an amino acid with highly dissimilar properties. This amino acid position is conserved. In addition, this alteration is predicted to be tolerated by in silico analysis. Since supporting evidence is limited at this time, the clinical significance of this alteration remains unclear.